The following is an entry in ClinVar:

NM_001830.4(CLCN4):c.1606G>C (p.Val536Leu)

Gene: CLCN4 (chloride voltage-gated channel 4; plus strand). Cytogenetic location: Xp22.2.
Variant type: single nucleotide variant.
Coding change: c.1606G>C on transcript NM_001830.4 (MANE Select); coding-DNA position 1606, G replaced by C.
Protein change: p.Val536Leu; replaces valine 536 with leucine.
Molecular consequence: missense variant.
Genome position (GRCh38, 1-based): chrX:10,213,710, G>C. VCF-style: chrX-10213710-G-C. GRCh37 (hg19) VCF-style: chrX-10181750-G-C.
Other names: c.1324G>C, p.Val442Leu (NM_001256944.2); short protein forms V442L, V536L.
Identifiers: ClinVar variation 3037259 (VCV003037259.2), dbSNP rs1569231897, ClinGen allele CA412041459.

ClinVar aggregate classification (germline): Uncertain significance (0 of 4 stars; one submission).

Conditions:
CLCN4-related disorder. Identifiers: MedGen CN232948.

Submission:

PreventionGenetics, part of Exact Sciences
Classification: Uncertain significance for CLCN4-related condition. Last evaluated: 2023-12-14. Review status: no assertion criteria provided. Collection method: clinical testing. Allele origin: germline.
Comment: The CLCN4 c.1606G>C variant is predicted to result in the amino acid substitution p.Val536Leu. To our knowledge, this variant has not been reported in the literature or in a large population database, indicating this variant is rare. A different substitution affecting the same amino acid (p.Val536Met) has been reported as causative in patients with intellectual disability (Hu et al. 2016. PubMed ID: 25644381; Palmer et al. 2018. PubMed ID: 27550844, Palmer et al. 2022. PubMed ID: 36385166). Although we suspect that this variant may be pathogenic, at this time, the clinical significance of this variant is uncertain due to the absence of conclusive functional and genetic evidence.